The following is an entry in ClinVar:

ClinVar aggregate classification (germline): Conflicting classifications of pathogenicity. Review status: criteria provided, conflicting classifications (1 of 4 stars). 6 submissions from 6 submitters: Uncertain significance (5); Likely benign (1). Last evaluated 2026-03-09.

Conditions:
ATM-related disorder. Also called: ATM-related disorders; ATM-related condition.
Hereditary cancer-predisposing syndrome. Also called: Hereditary Cancer Syndrome; Tumor predisposition; Neoplastic Syndromes, Hereditary; Hereditary neoplastic syndrome. Identifiers: Orphanet 140162, MedGen C0027672, MeSH D009386, MONDO:0015356.
Familial cancer of breast. Also called: hereditary breast carcinoma; BREAST CANCER, FAMILIAL; Hereditary breast cancer. Identifiers: Orphanet 227535, MedGen C0346153, MONDO:0016419, OMIM 114480. Disease mechanism: loss of function.
Ataxia-telangiectasia syndrome (AT). Also called: ATAXIA-TELANGIECTASIA, COMPLEMENTATION GROUP A; ATAXIA-TELANGIECTASIA, FRESNO VARIANT; Ataxia-telangiectasia; Ataxia-telangiectasia, complementation group E; Cerebello-oculocutaneous telangiectasia; Immunodeficiency with ataxia telangiectasia. Identifiers: Orphanet 100, MedGen C0004135, MONDO:0008840, OMIM 208900.

Allele frequency attached by ClinVar (database versions not stated): gnomAD exomes 0.00001; TOPMed 0.00001; gnomAD 0.00002.
gnomAD v4.1: 6 of 1,613,124 alleles (0.00037%); highest among the groups gnomAD compares: Non-Finnish European, 0.00051%; no homozygotes.

Submissions (6):

PreventionGenetics, part of Exact Sciences
Classification: Uncertain significance for ATM-related condition. Last evaluated: 2026-03-09. Review status: criteria provided, single submitter. Criteria: ACMG Guidelines, 2015. Collection method: clinical testing. Allele origin: germline.
Comment: The ATM c.7593G>A variant is predicted to result in the amino acid substitution p.Met2531Ile. To our knowledge, this variant has not been reported in the literature or in a large population database (gnomAD), indicating this variant is rare. This variant is interpreted as uncertain in the ClinVar database (Variation ID: 187478). At this time, the clinical significance of this variant is uncertain due to the absence of conclusive functional and genetic evidence.

Labcorp Genetics (formerly Invitae), Labcorp
Classification: Uncertain significance for Ataxia-telangiectasia syndrome. Last evaluated: 2025-12-03. Review status: criteria provided, single submitter. Criteria: Invitae Variant Classification Sherloc (09022015). Collection method: clinical testing. Allele origin: germline.
Comment: This sequence change replaces methionine, which is neutral and non-polar, with isoleucine, which is neutral and non-polar, at codon 2531 of the ATM protein (p.Met2531Ile). This variant is not present in population databases (gnomAD no frequency). This variant has not been reported in the literature in individuals affected with ATM-related conditions. ClinVar contains an entry for this variant (Variation ID: 187478). Invitae Evidence Modeling of protein sequence and biophysical properties (such as structural, functional, and spatial information, amino acid conservation, physicochemical variation, residue mobility, and thermodynamic stability) indicates that this missense variant is not expected to disrupt ATM protein function with a negative predictive value of 95%. In summary, the available evidence is currently insufficient to determine the role of this variant in disease. Therefore, it has been classified as a Variant of Uncertain Significance.

Color Diagnostics, LLC DBA Color Health
Classification: Likely benign for Hereditary cancer-predisposing syndrome. Last evaluated: 2024-09-30. Review status: criteria provided, single submitter. Criteria: ACMG Guidelines, 2015. Collection method: clinical testing. Allele origin: germline.

Ambry Genetics
Classification: Uncertain significance for Hereditary cancer-predisposing syndrome. Last evaluated: 2024-05-13. Review status: criteria provided, single submitter. Criteria: Ambry Variant Classification Scheme 2023. Collection method: clinical testing. Allele origin: germline.
Comment: The p.M2531I variant (also known as c.7593G>A), located in coding exon 50 of the ATM gene, results from a G to A substitution at nucleotide position 7593. The methionine at codon 2531 is replaced by isoleucine, an amino acid with highly similar properties. This amino acid position is well conserved in available vertebrate species. In addition, this alteration is predicted to be tolerated by in silico analysis. Based on the available evidence, the clinical significance of this variant remains unclear.

Baylor Genetics
Classification: Uncertain significance for Familial cancer of breast. Last evaluated: 2024-02-08. Review status: criteria provided, single submitter. Criteria: ACMG Guidelines, 2015. Collection method: clinical testing. Allele origin: unknown.

GeneDx
Classification: Uncertain significance. Last evaluated: 2018-08-28. Review status: criteria provided, single submitter. Criteria: GeneDx Variant Classification (06012015). Collection method: clinical testing. Allele origin: germline. Affected: yes.
Comment: This variant is denoted ATM c.7593G>A at the cDNA level, p.Met2531Ile (M2531I) at the protein level, and results in the change of a Methionine to an Isoleucine (ATG>ATA). This variant has not, to our knowledge, been published in the literature as a pathogenic or benign germline variant. ATM Met2531Ile was not observed in large population cohorts (Lek 2016). This variant is located in the FAT domain (Stracker 2013). In silico analysis, which includes protein predictors and evolutionary conservation, supports that this variant does not alter protein structure/function. Based on currently available evidence, it is unclear whether ATM Met2531Ile is a pathogenic or benign variant. We consider it to be a variant of uncertain significance.

NM_000051.4(ATM):c.7593G>A (p.Met2531Ile)

Genes: C11orf65 (chromosome 11 open reading frame 65; minus strand), ATM (ATM serine/threonine kinase; plus strand). Cytogenetic location: 11q22.3.
Variant type: single nucleotide variant.
Coding change: c.7593G>A on transcript NM_000051.4 (MANE Select); coding-DNA position 7593, G replaced by A.
Protein change: p.Met2531Ile; replaces methionine 2531 with isoleucine.
Molecular consequence: missense variant. On other transcripts: non-coding transcript variant (1), intron variant (2).
Genome position (GRCh38, 1-based): chr11:108,331,521, G>A. VCF-style: chr11-108331521-G-A. GRCh37 (hg19) VCF-style: chr11-108202248-G-A.
Other names: c.7593G>A, p.Met2531Ile (NM_001351834.2); c.641-22450C>T (NM_001330368.2); c.*38+3699C>T (NM_001351110.2); short protein forms M2531I.
Identifiers: ClinVar variation 187478 (VCV000187478.19), dbSNP rs786203764, ClinGen allele CA197744.
Genomic context (GRCh38, chr11:108,331,521, plus strand): 5'-TCCAACATATAAATTTTTGCCTCTTATGTACCAATTGGCTGCTAGAATGGGGACCAAGAT[G>A]ATGGGAGGCCTAGGATTTCATGAAGTCCTCAATAATGTAAGTAAACCTGAAAATCAAACC-3'
Protein context (NP_000042.3, residues 2521-2541): YQLAARMGTK[Met2531Ile]MGGLGFHEVL